The following is an entry in ClinVar:

ClinVar aggregate classification (germline): Uncertain significance (1 of 4 stars; one submission).

Submission:

Labcorp Genetics (formerly Invitae), Labcorp
Classification: Uncertain significance. Last evaluated: 2024-01-03. Review status: criteria provided, single submitter. Criteria: Invitae Variant Classification Sherloc (09022015). Collection method: clinical testing. Allele origin: germline.
Comment: This sequence change creates a premature translational stop signal (p.Leu1263Serfs*17) in the ARHGEF10 gene. While this is not anticipated to result in nonsense mediated decay, it is expected to disrupt the last 82 amino acid(s) of the ARHGEF10 protein. This variant is not present in population databases (gnomAD no frequency). This variant has not been reported in the literature in individuals affected with ARHGEF10-related conditions. Experimental studies and prediction algorithms are not available or were not evaluated, and the functional significance of this variant is currently unknown. In summary, the available evidence is currently insufficient to determine the role of this variant in disease. Therefore, it has been classified as a Variant of Uncertain Significance.

NM_014629.4(ARHGEF10):c.3787_*319delinsTCC (p.Leu1263fs)

Gene: ARHGEF10 (Rho guanine nucleotide exchange factor 10; plus strand). Cytogenetic location: 8p23.3.
Variant type: Indel.
Coding change: c.3787_*319delinsTCC on transcript NM_014629.4 (MANE Select); coding-DNA position 3787 through 319 bases downstream of the stop codon, the reference bases replaced by TCC.
Protein change: p.Leu1263fs; shifts the reading frame from leucine 1263.
Molecular consequence: frameshift variant.
Genome position (GRCh38, 1-based): chr8:1,957,015-1,957,582, 568 bases replaced. GRCh37 (hg19): chr8:1,905,181-1,905,748.
Other names: c.3673_*319delinsTCC, p.Leu1225fs (NM_001308152.2); c.3787_*319del568insTCC, p.Leu1263_Ter(1345_?)(?) (NM_001308153.3); short protein forms L1225fs, L1263fs, L1287fs.
Identifiers: ClinVar variation 2703192 (VCV002703192.3), dbSNP rs2538391594, ClinGen allele CA2697549735.